The following is an entry in ClinVar:

ClinVar aggregate classification (germline): Likely benign. Review status: criteria provided, multiple submitters, no conflicts (2 of 4 stars). 2 submissions from 2 submitters: Likely benign (2). Last evaluated 2026-08-01.

Allele frequency attached by ClinVar (database versions not stated): ExAC 0.00070.
gnomAD v4.1: 214 of 1,559,422 alleles (0.014%); highest among the groups gnomAD compares: Middle Eastern, 0.14%; 1 homozygote.

Submissions (2):

CeGaT Center for Human Genetics Tuebingen
Classification: Likely benign. Last evaluated: 2026-08-01. Review status: criteria provided, single submitter. Criteria: CeGaT Center For Human Genetics Tuebingen Variant Classification Criteria Version 2. Collection method: clinical testing. Allele origin: germline. Affected: yes. Observed: 1 variant allele.
Comment: NLGN2: BP4, BP7

Labcorp Genetics (formerly Invitae), Labcorp
Classification: Likely benign. Last evaluated: 2025-12-03. Review status: criteria provided, single submitter. Criteria: Invitae Variant Classification Sherloc (09022015). Collection method: clinical testing. Allele origin: germline.

NM_020795.4(NLGN2):c.1914G>A (p.Pro638=)

Gene: NLGN2 (neuroligin 2; plus strand). Cytogenetic location: 17p13.1.
Variant type: single nucleotide variant.
Coding change: c.1914G>A on transcript NM_020795.4 (MANE Select); coding-DNA position 1914, G replaced by A.
Protein change: p.Pro638=; no amino-acid change (proline 638 retained).
Molecular consequence: synonymous variant.
Genome position (GRCh38, 1-based): chr17:7,417,205, G>A. VCF-style: chr17-7417205-G-A. GRCh37 (hg19) VCF-style: chr17-7320524-G-A.
Identifiers: ClinVar variation 2054406 (VCV002054406.5), dbSNP rs758458536, ClinGen allele CA8346168.